The following is an entry in ClinVar:

NM_022042.4(SLC26A1):c.1432G>A (p.Ala478Thr)

Genes: IDUA (alpha-L-iduronidase; plus strand), SLC26A1 (solute carrier family 26 member 1; minus strand). Cytogenetic location: 4p16.3.
Variant type: single nucleotide variant.
Coding change: c.1432G>A on transcript NM_022042.4 (MANE Select); coding-DNA position 1432, G replaced by A.
Protein change: p.Ala478Thr; replaces alanine 478 with threonine.
Molecular consequence: missense variant. On other transcripts: intron variant (2).
Genome position (GRCh38, 1-based): chr4:989,507, C>T on the plus strand (G>A on the coding strand, the complement: SLC26A1 is on the minus strand). VCF-style: chr4-989507-C-T. GRCh37 (hg19) VCF-style: chr4-983295-C-T.
Other names: c.1432G>A, p.Ala478Thr (NM_213613.4); c.576+1621G>A (NM_134425.4); c.299+1558C>T (NM_000203.5); short protein forms A478T.
Identifiers: ClinVar variation 2215108 (VCV002215108.6), dbSNP rs558027930, ClinGen allele CA2801377.

ClinVar aggregate classification (germline): Uncertain significance. Review status: criteria provided, multiple submitters, no conflicts (2 of 4 stars). 3 submissions from 3 submitters: Uncertain significance (3). Last evaluated 2025-05-24.

Conditions:
Inborn genetic diseases. Identifiers: MedGen C0950123, MeSH D030342.
Hypersulfaturia (HYSULF). Identifiers: MedGen C5830511, MONDO:0957268, OMIM 620372.
Nephrolithiasis susceptibility caused by SLC26A1 (CAON1). Also called: NEPHROLITHIASIS, CALCIUM OXALATE, 1. Identifiers: MedGen C5779632, MONDO:0020722, OMIM 167030.

Allele frequency attached by ClinVar (database versions not stated): TOPMed 0.00008; gnomAD 0.00011; ExAC 0.00013.
gnomAD v4.1: 80 of 1,553,128 alleles (0.0052%); highest among the groups gnomAD compares: Admixed American, 0.031%; no homozygotes.

Submissions (3):

Labcorp Genetics (formerly Invitae), Labcorp
Classification: Uncertain significance. Last evaluated: 2025-05-24. Review status: criteria provided, single submitter. Criteria: Invitae Variant Classification Sherloc (09022015). Collection method: clinical testing. Allele origin: germline.
Comment: This sequence change replaces alanine, which is neutral and non-polar, with threonine, which is neutral and polar, at codon 478 of the SLC26A1 protein (p.Ala478Thr). This variant is present in population databases (rs558027930, gnomAD 0.04%). This variant has not been reported in the literature in individuals affected with SLC26A1-related conditions. ClinVar contains an entry for this variant (Variation ID: 2215108). Invitae Evidence Modeling of protein sequence and biophysical properties (such as structural, functional, and spatial information, amino acid conservation, physicochemical variation, residue mobility, and thermodynamic stability) indicates that this missense variant is not expected to disrupt SLC26A1 protein function with a negative predictive value of 80%. In summary, the available evidence is currently insufficient to determine the role of this variant in disease. Therefore, it has been classified as a Variant of Uncertain Significance.

Fulgent Genetics
Classification: Uncertain significance for Nephrolithiasis susceptibility caused by SLC26A1; Hypersulfaturia. Last evaluated: 2024-04-02. Review status: criteria provided, single submitter. Criteria: ACMG Guidelines, 2015. Collection method: clinical testing. Allele origin: germline.

Ambry Genetics
Classification: Uncertain significance for Inborn genetic diseases. Last evaluated: 2021-07-15. Review status: criteria provided, single submitter. Criteria: Ambry Variant Classification Scheme 2023. Collection method: clinical testing. Allele origin: germline.